The following is an entry in ClinVar:

ClinVar aggregate classification (germline): Uncertain significance (1 of 4 stars; one submission).

Allele frequency attached by ClinVar (database versions not stated): TOPMed below 0.00001; gnomAD exomes 0.00001; ExAC 0.00002.
gnomAD v4.1: 6 of 1,614,216 alleles (0.00037%); highest among the groups gnomAD compares: Non-Finnish European, 0.00042%; no homozygotes.

Submission:

Ambry Genetics
Classification: Uncertain significance. Last evaluated: 2024-10-12. Review status: criteria provided, single submitter. Criteria: Ambry Variant Classification Scheme 2023. Collection method: clinical testing. Allele origin: germline.
Comment: The p.V146I variant (also known as c.436G>A), located in coding exon 1 of the MLH3 gene, results from a G to A substitution at nucleotide position 436. The valine at codon 146 is replaced by isoleucine, an amino acid with highly similar properties. This amino acid position is well conserved in available vertebrate species. In addition, this alteration is predicted to be tolerated by in silico analysis. The evidence for this gene-disease relationship is limited; therefore, the clinical significance of this alteration is unclear.

NM_001040108.2(MLH3):c.436G>A (p.Val146Ile)

Gene: MLH3 (mutL homolog 3; minus strand). Cytogenetic location: 14q24.3.
Variant type: single nucleotide variant.
Coding change: c.436G>A on transcript NM_001040108.2 (MANE Select); coding-DNA position 436, G replaced by A.
Protein change: p.Val146Ile; replaces valine 146 with isoleucine.
Molecular consequence: missense variant.
Genome position (GRCh38, 1-based): chr14:75,049,220, C>T on the plus strand (G>A on the coding strand, the complement: MLH3 is on the minus strand). VCF-style: chr14-75049220-C-T. GRCh37 (hg19) VCF-style: chr14-75515923-C-T.
Other names: c.436G>A, p.Val146Ile (NM_014381.3); short protein forms V146I.
Identifiers: ClinVar variation 1740074 (VCV001740074.3), dbSNP rs747415046, ClinGen allele CA7276030.